The following is an entry in ClinVar:

NM_001198800.3(ASCC1):c.393G>T (p.Gln131His)

Gene: ASCC1 (activating signal cointegrator 1 complex subunit 1; minus strand). Cytogenetic location: 10q22.1.
Variant type: single nucleotide variant.
Coding change: c.393G>T on transcript NM_001198800.3 (MANE Select); coding-DNA position 393, G replaced by T.
Protein change: p.Gln131His; replaces glutamine 131 with histidine.
Molecular consequence: missense variant. On other transcripts: non-coding transcript variant (1).
Genome position (GRCh38, 1-based): chr10:72,196,907, C>A on the plus strand (G>T on the coding strand, the complement: ASCC1 is on the minus strand). VCF-style: chr10-72196907-C-A. GRCh37 (hg19) VCF-style: chr10-73956665-C-A.
Other names: c.393G>T, p.Gln131His (NM_001198798.2, NM_001369087.1, NM_001369088.1 and 18 more transcripts); c.477G>T, p.Gln159His (NM_001198799.3); c.459G>T, p.Gln153His (NM_001369085.1, NM_001369086.1, NM_001369099.1); c.276G>T, p.Gln92His (NM_001369101.1, NM_001369102.1, NM_001369105.1 and 2 more transcripts); c.393G>T (NM_001198800.1); short protein forms Q159H, Q153H, Q131H, Q92H.
Identifiers: ClinVar variation 1392916 (VCV001392916.9), dbSNP rs755656113, ClinGen allele CA5549027.

ClinVar aggregate classification (germline): Uncertain significance. Review status: criteria provided, multiple submitters, no conflicts (2 of 4 stars). 2 submissions from 2 submitters: Uncertain significance (2). Last evaluated 2025-04-30.

Conditions:
Inborn genetic diseases. Identifiers: MedGen C0950123, MeSH D030342.

Allele frequency attached by ClinVar (database versions not stated): TOPMed 0.00003.
gnomAD v4.1: 16 of 1,613,630 alleles (0.00099%); highest among the groups gnomAD compares: Admixed American, 0.027%; no homozygotes.

Submissions (2):

Ambry Genetics
Classification: Uncertain significance for Inborn genetic diseases. Last evaluated: 2025-04-30. Review status: criteria provided, single submitter. Criteria: Ambry Variant Classification Scheme 2023. Collection method: clinical testing. Allele origin: germline.

Labcorp Genetics (formerly Invitae), Labcorp
Classification: Uncertain significance. Last evaluated: 2022-11-14. Review status: criteria provided, single submitter. Criteria: Invitae Variant Classification Sherloc (09022015). Collection method: clinical testing. Allele origin: germline.
Comment: This sequence change replaces glutamine, which is neutral and polar, with histidine, which is basic and polar, at codon 131 of the ASCC1 protein (p.Gln131His). This variant is present in population databases (rs755656113, gnomAD 0.04%). In summary, the available evidence is currently insufficient to determine the role of this variant in disease. Therefore, it has been classified as a Variant of Uncertain Significance. Advanced modeling of protein sequence and biophysical properties (such as structural, functional, and spatial information, amino acid conservation, physicochemical variation, residue mobility, and thermodynamic stability) performed at Invitae indicates that this missense variant is not expected to disrupt ASCC1 protein function. ClinVar contains an entry for this variant (Variation ID: 1392916). This variant has not been reported in the literature in individuals affected with ASCC1-related conditions.